The following is an entry in ClinVar:

NM_182961.4(SYNE1):c.13934_13935insTTT (p.Leu4645dup)

Gene: SYNE1 (spectrin repeat containing nuclear envelope protein 1; minus strand). Cytogenetic location: 6q25.2.
Variant type: Insertion.
Coding change: c.13934_13935insTTT on transcript NM_182961.4 (MANE Select); coding-DNA positions 13934 to 13935, TTT inserted.
Protein change: p.Leu4645dup; duplicates leucine 4645.
Molecular consequence: inframe insertion.
Genome position: GRCh38 VCF-style: chr6-152330750-T-TAAA. GRCh37 (hg19) VCF-style: chr6-152651885-T-TAAA.
Other names: c.13721_13722insTTT (NM_033071.3); c.13721_13722insTTT, p.Leu4574dup (NM_033071.5).
Identifiers: ClinVar variation 285633 (VCV000285633.15), dbSNP rs886043161, ClinGen allele CA10605187.

ClinVar aggregate classification (germline): Uncertain significance. Review status: criteria provided, multiple submitters, no conflicts (2 of 4 stars). 3 submissions from 3 submitters: Uncertain significance (3). Last evaluated 2022-04-18.

Conditions:
Autosomal recessive ataxia, Beauce type. Also called: Spinocerebellar ataxia, autosomal recessive 8; ATAXIA, RECESSIVE, OF BEAUCE; SYNE1 Deficiency; SYNE1-Related Autosomal Recessive Cerebellar Ataxia. Identifiers: Orphanet 88644, MedGen C1853116, MONDO:0012549, OMIM 610743.
Emery-Dreifuss muscular dystrophy 4, autosomal dominant (EDMD4). Also called: EMERY-DREIFUSS MUSCULAR DYSTROPHY 4 WITH VARIABLE FEATURES. Identifiers: Orphanet 261, MedGen C2751807, MONDO:0013071, OMIM 612998.

Submissions (3):

Revvity Omics, Revvity
Classification: Uncertain significance. Last evaluated: 2022-04-18. Review status: criteria provided, single submitter. Criteria: ACMG Guidelines, 2015. Collection method: clinical testing. Allele origin: germline.

Labcorp Genetics (formerly Invitae), Labcorp
Classification: Uncertain significance for Emery-Dreifuss muscular dystrophy 4, autosomal dominant; Autosomal recessive ataxia, Beauce type. Last evaluated: 2022-03-04. Review status: criteria provided, single submitter. Criteria: Invitae Variant Classification Sherloc (09022015). Collection method: clinical testing. Allele origin: germline.
Comment: In summary, the available evidence is currently insufficient to determine the role of this variant in disease. Therefore, it has been classified as a Variant of Uncertain Significance. Experimental studies and prediction algorithms are not available or were not evaluated, and the functional significance of this variant is currently unknown. ClinVar contains an entry for this variant (Variation ID: 285633). This variant has not been reported in the literature in individuals affected with SYNE1-related conditions. This variant is present in population databases (no rsID available, gnomAD 0.0009%). This variant, c.13721_13722insTTT, results in the insertion of 1 amino acid(s) of the SYNE1 protein (p.Leu4574dup), but otherwise preserves the integrity of the reading frame.

Eurofins Ntd Llc (ga)
Classification: Uncertain significance. Last evaluated: 2016-01-22. Review status: criteria provided, single submitter. Criteria: EGL Classification Definitions 2015. Collection method: clinical testing. Allele origin: germline. Observed: 1 variant allele.